The following is an entry in ClinVar:

NM_001346810.2(DLGAP2):c.641G>A (p.Arg214Lys)

Gene: DLGAP2 (DLG associated protein 2; plus strand). Cytogenetic location: 8p23.3.
Variant type: single nucleotide variant.
Coding change: c.641G>A on transcript NM_001346810.2 (MANE Select); coding-DNA position 641, G replaced by A.
Protein change: p.Arg214Lys; replaces arginine 214 with lysine.
Molecular consequence: missense variant.
Genome position (GRCh38, 1-based): chr8:1,549,094, G>A. VCF-style: chr8-1549094-G-A. GRCh37 (hg19) VCF-style: chr8-1497260-G-A.
Other names: short protein forms R214K.
Identifiers: ClinVar variation 3050378 (VCV003050378.16), dbSNP rs200052111, ClinGen allele CA4598172.

ClinVar aggregate classification (germline): Benign. Review status: criteria provided, single submitter (1 of 4 stars). 2 submissions from 2 submitters: Benign (1). 1 of the submissions does not count toward it. Last evaluated 2025-03-01.

Conditions:
DLGAP2-related disorder. Also called: DLGAP2-related condition.

Allele frequency attached by ClinVar (database versions not stated): 1000 Genomes Project 0.00060; 1000 Genomes Project 30x 0.00062; ESP Exome Variant Server 0.00156; TOPMed 0.00196; gnomAD 0.00226; gnomAD exomes 0.00234; ExAC 0.00386.
gnomAD v4.1: 3,726 of 1,583,196 alleles (0.24%); highest among the groups gnomAD compares: Middle Eastern, 0.48%; 14 homozygotes.

Submissions (2):

CeGaT Center for Human Genetics Tuebingen
Classification: Benign. Last evaluated: 2025-03-01. Review status: criteria provided, single submitter. Criteria: CeGaT Center For Human Genetics Tuebingen Variant Classification Criteria Version 2. Collection method: clinical testing. Allele origin: germline. Affected: yes. Observed: 2 variant alleles.
Comment: DLGAP2: BS1, BS2

PreventionGenetics, part of Exact Sciences
Classification: Benign for DLGAP2-related condition. Last evaluated: 2019-07-10. Review status: no assertion criteria provided. Collection method: clinical testing. Allele origin: germline. Not counted in ClinVar's aggregate classification.
Comment: This variant is classified as benign based on ACMG/AMP sequence variant interpretation guidelines (Richards et al. 2015 PMID: 25741868, with internal and published modifications).